The following is an entry in ClinVar:

ClinVar aggregate classification (germline): Uncertain significance (1 of 4 stars; one submission).

Submission:

CeGaT Center for Human Genetics Tuebingen
Classification: Uncertain significance. Last evaluated: 2024-11-01. Review status: criteria provided, single submitter. Criteria: CeGaT Center For Human Genetics Tuebingen Variant Classification Criteria Version 2. Collection method: clinical testing. Allele origin: germline. Affected: yes. Observed: 1 variant allele.
Comment: FOXF1: PP3

NM_001451.3(FOXF1):c.98C>G (p.Pro33Arg)

Gene: FOXF1 (forkhead box F1; plus strand). Cytogenetic location: 16q24.1.
Variant type: single nucleotide variant.
Coding change: c.98C>G on transcript NM_001451.3 (MANE Select); coding-DNA position 98, C replaced by G.
Protein change: p.Pro33Arg; replaces proline 33 with arginine.
Molecular consequence: missense variant.
Genome position (GRCh38, 1-based): chr16:86,510,667, C>G. VCF-style: chr16-86510667-C-G. GRCh37 (hg19) VCF-style: chr16-86544273-C-G.
Other names: short protein forms P33R.
Identifiers: ClinVar variation 3389015 (VCV003389015.14).